The following is an entry in ClinVar:

NM_001199799.2(ILDR1):c.776G>A (p.Arg259Gln)

Gene: ILDR1 (immunoglobulin like domain containing receptor 1; minus strand). Cytogenetic location: 3q13.33.
Variant type: single nucleotide variant.
Coding change: c.776G>A on transcript NM_001199799.2 (MANE Select); coding-DNA position 776, G replaced by A.
Protein change: p.Arg259Gln; replaces arginine 259 with glutamine.
Molecular consequence: missense variant. On other transcripts: intron variant (1).
Genome position (GRCh38, 1-based): chr3:121,994,184, C>T on the plus strand (G>A on the coding strand, the complement: ILDR1 is on the minus strand). VCF-style: chr3-121994184-C-T. GRCh37 (hg19) VCF-style: chr3-121713031-C-T.
Other names: c.509G>A, p.Arg170Gln (NM_001199800.2); c.647-214G>A (NM_175924.4); short protein forms R170Q, R259Q.
Identifiers: ClinVar variation 2288912 (VCV002288912.3), dbSNP rs1322210462, ClinGen allele CA354144580.

ClinVar aggregate classification (germline): Uncertain significance. Review status: criteria provided, multiple submitters, no conflicts (2 of 4 stars). 2 submissions from 2 submitters: Uncertain significance (2). Last evaluated 2022-11-08.

Conditions:
Inborn genetic diseases. Identifiers: MedGen C0950123, MeSH D030342.

Allele frequency attached by ClinVar (database versions not stated): gnomAD 0.00001; gnomAD exomes 0.00001; TOPMed 0.00004.
gnomAD v4.1: 10 of 1,535,988 alleles (0.00065%); highest among the groups gnomAD compares: African/African-American, 0.0014%; no homozygotes.

Submissions (2):

GeneDx
Classification: Uncertain significance. Last evaluated: 2022-11-08. Review status: criteria provided, single submitter. Criteria: GeneDx Variant Classification Process June 2021. Collection method: clinical testing. Allele origin: germline. Affected: yes.
Comment: Not observed at significant frequency in large population cohorts (gnomAD); In silico analysis supports that this missense variant does not alter protein structure/function; Has not been previously published as pathogenic or benign to our knowledge

Ambry Genetics
Classification: Uncertain significance for Inborn genetic diseases. Last evaluated: 2022-05-11. Review status: criteria provided, single submitter. Criteria: Ambry Variant Classification Scheme 2023. Collection method: clinical testing. Allele origin: germline.